The following is an entry in ClinVar:

NM_005529.7(HSPG2):c.13003+7C>T

Genes: HSPG2 (heparan sulfate proteoglycan 2; minus strand), LDLRAD2 (low density lipoprotein receptor class A domain containing 2; plus strand). Cytogenetic location: 1p36.12.
Variant type: single nucleotide variant.
Coding change: c.13003+7C>T on transcript NM_005529.7 (MANE Select); 7 bases into the intron after coding-DNA position 13003, C replaced by T.
Molecular consequence: intron variant. On other transcripts: 3 prime UTR variant (1).
Genome position (GRCh38, 1-based): chr1:21,823,609, G>A on the plus strand (C>T on the coding strand, the complement: HSPG2 is on the minus strand). VCF-style: chr1-21823609-G-A. GRCh37 (hg19) VCF-style: chr1-22150102-G-A.
Other names: c.*1394G>A (NM_001013693.3); c.13006+7C>T (NM_001291860.2).
Identifiers: ClinVar variation 2638452 (VCV002638452.24), dbSNP rs765041186, ClinGen allele CA669182.

ClinVar aggregate classification (germline): Likely benign (1 of 4 stars; one submission).

Allele frequency attached by ClinVar (database versions not stated): ExAC 0.00001; gnomAD exomes 0.00001; TOPMed 0.00001.
gnomAD v4.1: 8 of 1,613,030 alleles (0.0005%); highest among the groups gnomAD compares: Non-Finnish European, 0.00059%; no homozygotes.

Submission:

CeGaT Center for Human Genetics Tuebingen
Classification: Likely benign. Last evaluated: 2023-03-01. Review status: criteria provided, single submitter. Criteria: CeGaT Center For Human Genetics Tuebingen Variant Classification Criteria Version 2. Collection method: clinical testing. Allele origin: germline. Affected: yes. Observed: 1 variant allele.
Comment: HSPG2: BP4